The following is an entry in ClinVar:

NM_004304.5(ALK):c.3641G>A (p.Arg1214His)

Gene: ALK (ALK receptor tyrosine kinase; minus strand). Cytogenetic location: 2p23.2.
Variant type: single nucleotide variant.
Coding change: c.3641G>A on transcript NM_004304.5 (MANE Select); coding-DNA position 3641, G replaced by A.
Protein change: p.Arg1214His; replaces arginine 1214 with histidine.
Molecular consequence: missense variant.
Genome position (GRCh38, 1-based): chr2:29,220,710, C>T on the plus strand (G>A on the coding strand, the complement: ALK is on the minus strand). VCF-style: chr2-29220710-C-T. GRCh37 (hg19) VCF-style: chr2-29443576-C-T.
Other names: c.437G>A, p.Arg146His (NM_001353765.2); short protein forms R1214H, R146H.
Identifiers: ClinVar variation 485079 (VCV000485079.16), dbSNP rs750194005, ClinGen allele CA1593838.

ClinVar aggregate classification (germline): Uncertain significance. Review status: criteria provided, multiple submitters, no conflicts (2 of 4 stars). 4 submissions from 4 submitters: Uncertain significance (4). Last evaluated 2025-05-14.

Conditions:
Hereditary cancer-predisposing syndrome. Also called: Hereditary neoplastic syndrome; Neoplastic Syndromes, Hereditary; Tumor predisposition; Hereditary Cancer Syndrome. Identifiers: Orphanet 140162, MedGen C0027672, MeSH D009386, MONDO:0015356.
Neuroblastoma, susceptibility to, 3. Also called: ALK-Related Neuroblastic Tumor Susceptibility. Identifiers: Orphanet 635, MedGen C2751681, MONDO:0013083, OMIM 613014.

Allele frequency attached by ClinVar (database versions not stated): ExAC 0.00002; gnomAD exomes 0.00002.
gnomAD v4.1: 10 of 1,613,432 alleles (0.00062%); highest among the groups gnomAD compares: East Asian, 0.0067%; no homozygotes.

Submissions (4):

Labcorp Genetics (formerly Invitae), Labcorp
Classification: Uncertain significance for Neuroblastoma, susceptibility to, 3. Last evaluated: 2025-05-14. Review status: criteria provided, single submitter. Criteria: Invitae Variant Classification Sherloc (09022015). Collection method: clinical testing. Allele origin: germline.
Comment: This sequence change replaces arginine, which is basic and polar, with histidine, which is basic and polar, at codon 1214 of the ALK protein (p.Arg1214His). This variant is present in population databases (rs750194005, gnomAD 0.007%). This variant has not been reported in the literature in individuals affected with ALK-related conditions. ClinVar contains an entry for this variant (Variation ID: 485079). An algorithm developed to predict the effect of missense changes on protein structure and function (PolyPhen-2) suggests that this variant is likely to be tolerated. In summary, the available evidence is currently insufficient to determine the role of this variant in disease. Therefore, it has been classified as a Variant of Uncertain Significance.

Fulgent Genetics
Classification: Uncertain significance for Neuroblastoma, susceptibility to, 3. Last evaluated: 2024-04-11. Review status: criteria provided, single submitter. Criteria: ACMG Guidelines, 2015. Collection method: clinical testing. Allele origin: germline.

Ambry Genetics
Classification: Uncertain significance for Hereditary cancer-predisposing syndrome. Last evaluated: 2024-01-19. Review status: criteria provided, single submitter. Criteria: Ambry Variant Classification Scheme 2023. Collection method: clinical testing. Allele origin: germline.
Comment: The p.R1214H variant (also known as c.3641G>A), located in coding exon 23 of the ALK gene, results from a G to A substitution at nucleotide position 3641. The arginine at codon 1214 is replaced by histidine, an amino acid with highly similar properties. This amino acid position is highly conserved in available vertebrate species. In addition, the in silico prediction for this alteration is inconclusive. Since supporting evidence is limited at this time, the clinical significance of this alteration remains unclear.

GeneDx
Classification: Uncertain significance. Last evaluated: 2023-10-30. Review status: criteria provided, single submitter. Criteria: GeneDx Variant Classification Process June 2021. Collection method: clinical testing. Allele origin: germline. Affected: yes.
Comment: Not observed at significant frequency in large population cohorts (gnomAD); In silico analysis supports that this missense variant has a deleterious effect on protein structure/function; Has not been previously published as pathogenic or benign to our knowledge